The following is an entry in ClinVar:

NM_017780.4(CHD7):c.5435A>T (p.Asp1812Val)

Gene: CHD7 (chromodomain helicase DNA binding protein 7; plus strand). Cytogenetic location: 8q12.2.
Variant type: single nucleotide variant.
Coding change: c.5435A>T on transcript NM_017780.4 (MANE Select); coding-DNA position 5435, A replaced by T.
Protein change: p.Asp1812Val; replaces aspartic acid 1812 with valine.
Molecular consequence: missense variant. On other transcripts: intron variant (1).
Genome position (GRCh38, 1-based): chr8:60,850,523, A>T. VCF-style: chr8-60850523-A-T. GRCh37 (hg19) VCF-style: chr8-61763082-A-T.
Other names: c.1717-11706A>T (NM_001316690.1); short protein forms D1812V.
Identifiers: ClinVar variation 4294445 (VCV004294445.1).

ClinVar aggregate classification (germline): Likely pathogenic (1 of 4 stars; one submission).

Conditions:
CHARGE syndrome (CHARGE). Also called: Hittner Hirsch Kreh syndrome; CHARGE ASSOCIATION--COLOBOMA, HEART ANOMALY, CHOANAL ATRESIA, RETARDATION, GENITAL AND EAR ANOMALIES; Coloboma, heart anomaly, choanal atresia, retardation, genital and ear anomalies; CHARGE association; Hall-Hittner syndrome. Identifiers: Orphanet 138, MedGen C0265354, MONDO:0008965.

Submission:

Molecular Genetics Department, Kulakov National Medical Research Center for Obstetrics, Gynecology and Perinatology
Classification: Likely pathogenic for CHD7-related CHARGE syndrome. Review status: criteria provided, single submitter. Criteria: ACMG Guidelines, 2015. Collection method: clinical testing. Allele origin: de novo. Affected: yes. Observed: 1 variant allele.
Comment: A previously undescribed heterozygous nucleotide variant creates a missense p.Asp1812Val in the CHD7 gene. Heterozygous variants are reported in patients including those with CHARGE syndrome, 214800. Another variant resulting in an amino acid substitution at the same position (p.Asp1812Glu) has been described, including as occurring de novo in patients with CHARGE syndrome [Bilan et al., 2012, PMID: 22033296; Butcher et al., 2017, PMID: 28475860]. The variant is not present in population database (gnomAD no frequency). In summary, the currently available evidence indicates that the variant is pathogenic, but additional data are needed to prove that conclusively. Therefore, this variant has been classified as likely pathogenic.

Literature cited by the submitters: PubMed 22033296; PubMed 28475860.